The following is an entry in ClinVar:

NM_016824.5(ADD3):c.592G>A (p.Val198Met)

Gene: ADD3 (adducin 3; plus strand). Cytogenetic location: 10q25.2.
Variant type: single nucleotide variant.
Coding change: c.592G>A on transcript NM_016824.5 (MANE Select); coding-DNA position 592, G replaced by A.
Protein change: p.Val198Met; replaces valine 198 with methionine.
Molecular consequence: missense variant.
Genome position (GRCh38, 1-based): chr10:110,118,611, G>A. VCF-style: chr10-110118611-G-A. GRCh37 (hg19) VCF-style: chr10-111878369-G-A.
Other names: c.592G>A, p.Val198Met (NM_001121.4, NM_001320591.2, NM_001320592.2 and 2 more transcripts); c.358G>A, p.Val120Met (NM_001320594.2); short protein forms V198M, V120M.
Identifiers: ClinVar variation 2132599 (VCV002132599.4), dbSNP rs1029930282, ClinGen allele CA213205647.
Genomic context (GRCh38, chr10:110,118,611, plus strand): 5'-TATACCAGTTAAATATGTCCTTCTGATTTTTTCCAGGTGAAAGTCAATATAATAGGAGAA[G>A]TGGTTGACCAGGGAAGTACCAATTTGAAAATTGACCATACAGGATTCAGTCCCCATGCTG-3'
Protein context (NP_058432.1, residues 188-208): NLVKVNIIGE[Val198Met]VDQGSTNLKI

ClinVar aggregate classification (germline): Uncertain significance (1 of 4 stars; one submission).

Allele frequency attached by ClinVar (database versions not stated): gnomAD exomes below 0.00001; TOPMed 0.00002.
gnomAD v4.1: 1 of 1,613,990 alleles (0.000062%); highest among the groups gnomAD compares: Admixed American, 0.0017%; no homozygotes.

Submission:

Labcorp Genetics (formerly Invitae), Labcorp
Classification: Uncertain significance. Last evaluated: 2022-05-03. Review status: criteria provided, single submitter. Criteria: Invitae Variant Classification Sherloc (09022015). Collection method: clinical testing. Allele origin: germline.
Comment: This sequence change replaces valine, which is neutral and non-polar, with methionine, which is neutral and non-polar, at codon 198 of the ADD3 protein (p.Val198Met). This variant is present in population databases (no rsID available, gnomAD 0.01%). This variant has not been reported in the literature in individuals affected with ADD3-related conditions. Algorithms developed to predict the effect of missense changes on protein structure and function are either unavailable or do not agree on the potential impact of this missense change (SIFT: "Not Available"; PolyPhen-2: "Probably Damaging"; Align-GVGD: "Not Available"). In summary, the available evidence is currently insufficient to determine the role of this variant in disease. Therefore, it has been classified as a Variant of Uncertain Significance.